The following is an entry in ClinVar:

NM_000388.4(CASR):c.1868G>T (p.Gly623Val)

Gene: CASR (calcium sensing receptor; plus strand). Cytogenetic location: 3q21.1.
Variant type: single nucleotide variant.
Coding change: c.1868G>T on transcript NM_000388.4 (MANE Select); coding-DNA position 1868, G replaced by T.
Protein change: p.Gly623Val; replaces glycine 623 with valine.
Molecular consequence: missense variant.
Genome position (GRCh38, 1-based): chr3:122,283,822, G>T. VCF-style: chr3-122283822-G-T. GRCh37 (hg19) VCF-style: chr3-122002669-G-T.
Other names: c.1898G>T, p.Gly633Val (NM_001178065.2); short protein forms G623V, G633V.
Identifiers: ClinVar variation 3754458 (VCV003754458.2).
Genomic context (GRCh38, chr3:122,283,822, plus strand): 5'-TCGAGTTTCTGTCGTGGACGGAGCCCTTTGGGATCGCACTCACCCTCTTTGCCGTGCTGG[G>T]CATTTTCCTGACAGCCTTTGTGCTGGGTGTGTTTATCAAGTTCCGCAACACACCCATTGT-3'
Protein context (NP_000379.3, residues 613-633): GIALTLFAVL[Gly623Val]IFLTAFVLGV

ClinVar aggregate classification (germline): Uncertain significance (1 of 4 stars; one submission).

Conditions:
Autosomal dominant hypocalcemia 1 (HYPOC1). Also called: HYPOCALCEMIA, FAMILIAL. Identifiers: MedGen C3715128, MONDO:0011013, OMIM 601198.
Familial hypocalciuric hypercalcemia (FHH). Also called: Familial benign hypercalcemia. Identifiers: Orphanet 405, MedGen C1809471, MONDO:0018458.

Submission:

Labcorp Genetics (formerly Invitae), Labcorp
Classification: Uncertain significance for Familial hypocalciuric hypercalcemia; Autosomal dominant hypocalcemia 1. Last evaluated: 2024-02-06. Review status: criteria provided, single submitter. Criteria: Invitae Variant Classification Sherloc (09022015). Collection method: clinical testing. Allele origin: germline.
Comment: This sequence change replaces glycine, which is neutral and non-polar, with valine, which is neutral and non-polar, at codon 623 of the CASR protein (p.Gly623Val). This variant is not present in population databases (gnomAD no frequency). This variant has not been reported in the literature in individuals affected with CASR-related conditions. An algorithm developed to predict the effect of missense changes on protein structure and function (PolyPhen-2) suggests that this variant is likely to be disruptive. In summary, the available evidence is currently insufficient to determine the role of this variant in disease. Therefore, it has been classified as a Variant of Uncertain Significance.